The following is an entry in ClinVar:

NM_000195.5(HPS1):c.2009T>C (p.Leu670Pro)

Gene: HPS1 (HPS1 biogenesis of lysosomal organelles complex 3 subunit 1; minus strand). Cytogenetic location: 10q24.2.
Variant type: single nucleotide variant.
Coding change: c.2009T>C on transcript NM_000195.5 (MANE Select); coding-DNA position 2009, T replaced by C.
Protein change: p.Leu670Pro; replaces leucine 670 with proline.
Molecular consequence: missense variant.
Genome position (GRCh38, 1-based): chr10:98,417,658, A>G on the plus strand (T>C on the coding strand, the complement: HPS1 is on the minus strand). VCF-style: chr10-98417658-A-G. GRCh37 (hg19) VCF-style: chr10-100177415-A-G.
Other names: c.1037T>C, p.Leu346Pro (NM_001311345.2, NM_001322487.2, NM_001322489.2); c.2009T>C, p.Leu670Pro (NM_001322476.2, NM_001322477.2); c.1910T>C, p.Leu637Pro (NM_001322478.2, NM_001322479.2); c.1748T>C, p.Leu583Pro (NM_001322480.2, NM_001322481.2); c.1649T>C, p.Leu550Pro (NM_001322482.2); c.1640T>C, p.Leu547Pro (NM_001322483.2, NM_001322484.2); c.1541T>C, p.Leu514Pro (NM_001322485.2); short protein forms L346P, L514P, L547P, L550P, L583P, L637P, L670P.
Identifiers: ClinVar variation 1336326 (VCV001336326.6), dbSNP rs2136078570, ClinGen allele CA378042209.
Genomic context (GRCh38, chr10:98,417,658, plus strand): 5'-CGCCGGGCCAGCTGGCCGGCCTGCTGCACCAGCAGGTCAGTGGGGATGACAGACAGGTGC[A>G]GGGCCAGCAGCTCGTAGCACCTGACAGCCTCGGTTGGGCGGTTCTTGCTGTAGTAGCGCA-3'
Protein context (NP_000186.2, residues 660-680): EAVRCYELLA[Leu670Pro]HLSVIPTDLL

ClinVar aggregate classification (germline): Likely pathogenic. Review status: criteria provided, multiple submitters, no conflicts (2 of 4 stars). 2 submissions from 2 submitters: Likely pathogenic (2). Last evaluated 2018-01-04.

Conditions:
Hermansky-Pudlak syndrome 1 (HPS1). Also called: DELTA STORAGE POOL DISEASE. Identifiers: Orphanet 231500, Orphanet 79430, MedGen C2931875, MONDO:0008748, OMIM 203300.

Submissions (2):

Genetic Services Laboratory, University of Chicago
Classification: Likely pathogenic. Last evaluated: 2018-01-04. Review status: criteria provided, single submitter. Criteria: ACMG Guidelines, 2015. Collection method: clinical testing. Allele origin: germline. Affected: yes.

Juno Genomics, Hangzhou Juno Genomics, Inc
Classification: Likely pathogenic for Hermansky-Pudlak syndrome 1. Review status: criteria provided, single submitter. Criteria: ACMG Guidelines, 2015. Collection method: clinical testing. Allele origin: germline.
Comment: Absent from controls (or at extremely low frequency if recessive) in Genome Aggregation Database.;Multiple lines of computational evidence support a deleterious effect on the gene or gene product.;For recessive disorders, detected in trans with a pathogenic variant.;Located in a mutational hot spot and/or critical and well-established functional domain without benign variation.;Patient's phenotype or family history is highly specific for a disease with a single genetic etiology.